The following is an entry in ClinVar:

NM_004959.5(NR5A1):c.460G>A (p.Ala154Thr)

Gene: NR5A1 (nuclear receptor subfamily 5 group A member 1; minus strand). Cytogenetic location: 9q33.3.
Variant type: single nucleotide variant.
Coding change: c.460G>A on transcript NM_004959.5 (MANE Select); coding-DNA position 460, G replaced by A.
Protein change: p.Ala154Thr; replaces alanine 154 with threonine.
Molecular consequence: missense variant.
Genome position (GRCh38, 1-based): chr9:124,500,500, C>T on the plus strand (G>A on the coding strand, the complement: NR5A1 is on the minus strand). VCF-style: chr9-124500500-C-T. GRCh37 (hg19) VCF-style: chr9-127262779-C-T.
Other names: short protein forms A154T.
Identifiers: ClinVar variation 656582 (VCV000656582.11), dbSNP rs761496130, ClinGen allele CA5235463.

ClinVar aggregate classification (germline): Conflicting classifications of pathogenicity. Review status: criteria provided, conflicting classifications (1 of 4 stars). 2 submissions from 2 submitters: Uncertain significance (1); Likely benign (1). Last evaluated 2018-12-15.

Conditions:
Oligosynaptic infertility (SPGF1). Also called: OLIGOCHIASMATIC INFERTILITY; SPERMATOGENIC FAILURE 1. Identifiers: MedGen C0403810, MONDO:0009776, OMIM 258150.
46 XY differences of sex development. Also called: 46,XY disorder of sex development; 46, XY disorder of sex development (DSD). Identifiers: Orphanet 98085, MedGen C2751824, MONDO:0020040.

Allele frequency attached by ClinVar (database versions not stated): ExAC 0.00002; gnomAD exomes 0.00002 and 0.00003; TOPMed 0.00004.
gnomAD v4.1: 44 of 1,604,120 alleles (0.0027%); highest among the groups gnomAD compares: Middle Eastern, 0.05%; no homozygotes.

Submissions (2):

Labcorp Genetics (formerly Invitae), Labcorp
Classification: Uncertain significance for 46 XY differences of sex development; Oligosynaptic infertility. Last evaluated: 2018-12-15. Review status: criteria provided, single submitter. Criteria: Invitae Variant Classification Sherloc (09022015). Collection method: clinical testing. Allele origin: germline.
Comment: In summary, the available evidence is currently insufficient to determine the role of this variant in disease. Therefore, it has been classified as a Variant of Uncertain Significance. Algorithms developed to predict the effect of missense changes on protein structure and function are either unavailable or do not agree on the potential impact of this missense change (SIFT: "Deleterious"; PolyPhen-2: "Benign"; Align-GVGD: "Class C0"). This variant has been observed in an individual with clinical features of disorder of sex development. However, in that individual the variant was inherited from a reportedly unaffected parent (PMID: 24591553). This variant is present in population databases (rs761496130, ExAC 0.004%). This sequence change replaces alanine with threonine at codon 154 of the NR5A1 protein (p.Ala154Thr). The alanine residue is weakly conserved and there is a small physicochemical difference between alanine and threonine.

Genetic Services Laboratory, University of Chicago
Classification: Likely benign. Last evaluated: 2017-10-18. Review status: criteria provided, single submitter. Criteria: ACMG Guidelines, 2015. Collection method: clinical testing. Allele origin: germline. Affected: no.

Literature cited by the submitters: PubMed 24591553 (cited by Labcorp Genetics (formerly Invitae), Labcorp).